The following is an entry in ClinVar:

ClinVar aggregate classification (germline): Uncertain significance (1 of 4 stars; one submission).

Submission:

Labcorp Genetics (formerly Invitae), Labcorp
Classification: Uncertain significance. Last evaluated: 2024-10-02. Review status: criteria provided, single submitter. Criteria: Invitae Variant Classification Sherloc (09022015). Collection method: clinical testing. Allele origin: germline.
Comment: This sequence change replaces serine, which is neutral and polar, with alanine, which is neutral and non-polar, at codon 3898 of the HMCN1 protein (p.Ser3898Ala). This variant is not present in population databases (gnomAD no frequency). This variant has not been reported in the literature in individuals affected with HMCN1-related conditions. An algorithm developed to predict the effect of missense changes on protein structure and function outputs the following: PolyPhen-2: "Probably Damaging". The alanine amino acid residue is found in multiple mammalian species, which suggests that this missense change does not adversely affect protein function. In summary, the available evidence is currently insufficient to determine the role of this variant in disease. Therefore, it has been classified as a Variant of Uncertain Significance.

NM_031935.3(HMCN1):c.11692T>G (p.Ser3898Ala)

Gene: HMCN1 (hemicentin 1; plus strand). Cytogenetic location: 1q31.1.
Variant type: single nucleotide variant.
Coding change: c.11692T>G on transcript NM_031935.3 (MANE Select); coding-DNA position 11692, T replaced by G.
Protein change: p.Ser3898Ala; replaces serine 3898 with alanine.
Molecular consequence: missense variant.
Genome position (GRCh38, 1-based): chr1:186,117,467, T>G. VCF-style: chr1-186117467-T-G. GRCh37 (hg19) VCF-style: chr1-186086599-T-G.
Other names: short protein forms S3898A.
Identifiers: ClinVar variation 3691922 (VCV003691922.2).